The following is an entry in ClinVar:

ClinVar aggregate classification (germline): Conflicting classifications of pathogenicity. Review status: criteria provided, conflicting classifications (1 of 4 stars). 2 submissions from 2 submitters: Uncertain significance (1); Likely benign (1). Last evaluated 2024-08-21.

Conditions:
Charcot-Marie-Tooth disease dominant intermediate C (CMTDIC). Also called: CHARCOT-MARIE-TOOTH NEUROPATHY, DOMINANT INTERMEDIATE C. Identifiers: Orphanet 100045, MedGen C1842237, MONDO:0012012, OMIM 608323.

Allele frequency attached by ClinVar (database versions not stated): TOPMed 0.00002; ExAC 0.00002; ESP Exome Variant Server 0.00008; gnomAD exomes 0.00001 and 0.00002.

Submissions (2):

Labcorp Genetics (formerly Invitae), Labcorp
Classification: Uncertain significance for Charcot-Marie-Tooth disease dominant intermediate C. Last evaluated: 2024-08-21. Review status: criteria provided, single submitter. Criteria: Invitae Variant Classification Sherloc (09022015). Collection method: clinical testing. Allele origin: germline.
Comment: This sequence change falls in intron 6 of the YARS gene. It does not directly change the encoded amino acid sequence of the YARS protein. It affects a nucleotide within the consensus splice site. This variant is present in population databases (rs375332060, gnomAD 0.006%). This variant has not been reported in the literature in individuals affected with YARS-related conditions. ClinVar contains an entry for this variant (Variation ID: 297157). Variants that disrupt the consensus splice site are a relatively common cause of aberrant splicing (PMID: 17576681, 9536098). Algorithms developed to predict the effect of sequence changes on RNA splicing suggest that this variant is not likely to affect RNA splicing. In summary, the available evidence is currently insufficient to determine the role of this variant in disease. Therefore, it has been classified as a Variant of Uncertain Significance.

Illumina Laboratory Services, Illumina
Classification: Likely benign for Charcot-Marie-Tooth disease dominant intermediate C. Last evaluated: 2018-01-12. Review status: criteria provided, single submitter. Criteria: ICSL Variant Classification Criteria 13 December 2019. Collection method: clinical testing. Allele origin: germline.
Comment: This variant was observed in the ICSL laboratory as part of a predisposition screen in an ostensibly healthy population. It had not been previously curated by ICSL or reported in the Human Gene Mutation Database (HGMD: prior to June 1st, 2018), and was therefore a candidate for classification through an automated scoring system. Utilizing variant allele frequency, disease prevalence and penetrance estimates, and inheritance mode, an automated score was calculated to assess if this variant is too frequent to cause the disease. Based on the score and internal cut-off values, a variant classified as likely benign is not then subjected to further curation. The score for this variant resulted in a classification of likely benign for this disease.

Literature cited by the submitters: PubMed 17576681 (cited by Labcorp Genetics (formerly Invitae), Labcorp); PubMed 9536098 (cited by Labcorp Genetics (formerly Invitae), Labcorp).

NM_003680.4(YARS1):c.684+3A>G

Gene: YARS1 (tyrosyl-tRNA synthetase 1; minus strand). Cytogenetic location: 1p35.1.
Variant type: single nucleotide variant.
Coding change: c.684+3A>G on transcript NM_003680.4 (MANE Select); 3 bases into the intron after coding-DNA position 684, A replaced by G.
Molecular consequence: intron variant.
Genome position (GRCh38, 1-based): chr1:32,791,159, T>C on the plus strand (A>G on the coding strand, the complement: YARS1 is on the minus strand). VCF-style: chr1-32791159-T-C. GRCh37 (hg19) VCF-style: chr1-33256760-T-C.
Identifiers: ClinVar variation 297157 (VCV000297157.9), dbSNP rs375332060, ClinGen allele CA745138.
Genomic context (GRCh38, chr1:32,791,159, plus strand): 5'-CAGTCCTCAATCTCTCCATTGAGGCTGAAGATTTCTAAATTCAAGTCTCAGCTGGCAACT[T>C]ACCTCTTCTGAAGAGCTCATTTTGCTGCCTGTTAATCCTGGAACCATAGGATTCATCAGA-3'